The following is an entry in ClinVar:

ClinVar aggregate classification (germline): Uncertain significance. Review status: criteria provided, multiple submitters, no conflicts (2 of 4 stars). 3 submissions from 3 submitters: Uncertain significance (3). Last evaluated 2025-08-30.

Conditions:
Inborn genetic diseases. Identifiers: MedGen C0950123, MeSH D030342.
Congenital disorder of glycosylation, type Iaa. Also called: Congenital disorder of glycosylation, type 1aa. Identifiers: MedGen C4310727, MONDO:0014904, OMIM 617082.

Allele frequency attached by ClinVar (database versions not stated): gnomAD 0.00001; gnomAD exomes 0.00001; TOPMed 0.00001.
gnomAD v4.1: 17 of 1,536,446 alleles (0.0011%); highest among the groups gnomAD compares: East Asian, 0.0025%; no homozygotes.

Submissions (3):

Ambry Genetics
Classification: Uncertain significance for Inborn genetic diseases. Last evaluated: 2025-08-30. Review status: criteria provided, single submitter. Criteria: Ambry Variant Classification Scheme 2023. Collection method: clinical testing. Allele origin: germline.

Labcorp Genetics (formerly Invitae), Labcorp
Classification: Uncertain significance for Congenital disorder of glycosylation, type Iaa. Last evaluated: 2024-04-12. Review status: criteria provided, single submitter. Criteria: Invitae Variant Classification Sherloc (09022015). Collection method: clinical testing. Allele origin: germline.
Comment: This sequence change replaces glycine, which is neutral and non-polar, with glutamic acid, which is acidic and polar, at codon 74 of the NUS1 protein (p.Gly74Glu). This variant is present in population databases (no rsID available, gnomAD 0.01%). This variant has not been reported in the literature in individuals affected with NUS1-related conditions. ClinVar contains an entry for this variant (Variation ID: 2154001). An algorithm developed to predict the effect of missense changes on protein structure and function (PolyPhen-2) suggests that this variant is likely to be tolerated. In summary, the available evidence is currently insufficient to determine the role of this variant in disease. Therefore, it has been classified as a Variant of Uncertain Significance.

Revvity Omics, Revvity
Classification: Uncertain significance. Last evaluated: 2022-01-18. Review status: criteria provided, single submitter. Criteria: ACMG Guidelines, 2015. Collection method: clinical testing. Allele origin: germline.

NM_138459.5(NUS1):c.221G>A (p.Gly74Glu)

Gene: NUS1 (NUS1 dehydrodolichyl diphosphate synthase subunit; plus strand). Cytogenetic location: 6q22.1.
Variant type: single nucleotide variant.
Coding change: c.221G>A on transcript NM_138459.5 (MANE Select); coding-DNA position 221, G replaced by A.
Protein change: p.Gly74Glu; replaces glycine 74 with glutamic acid.
Molecular consequence: missense variant.
Genome position (GRCh38, 1-based): chr6:117,675,891, G>A. VCF-style: chr6-117675891-G-A. GRCh37 (hg19) VCF-style: chr6-117997054-G-A.
Other names: c.221G>A (NM_138459.3); short protein forms G74E.
Identifiers: ClinVar variation 2154001 (VCV002154001.8), dbSNP rs898267866, ClinGen allele CA146431390.